The following is an entry in ClinVar:

ClinVar aggregate classification (germline): Likely benign (1 of 4 stars; one submission).

Submission:

CeGaT Center for Human Genetics Tuebingen
Classification: Likely benign. Last evaluated: 2023-12-01. Review status: criteria provided, single submitter. Criteria: CeGaT Center For Human Genetics Tuebingen Variant Classification Criteria Version 2. Collection method: clinical testing. Allele origin: germline. Affected: yes. Observed: 1 variant allele.
Comment: POMT1: PM2:Supporting, BP4, BP7

NM_001077365.2(POMT1):c.33G>T (p.Val11=)

Gene: POMT1 (protein O-mannosyltransferase 1; plus strand). Cytogenetic location: 9q34.13.
Variant type: single nucleotide variant.
Coding change: c.33G>T on transcript NM_001077365.2 (MANE Select); coding-DNA position 33, G replaced by T.
Protein change: p.Val11=; no amino-acid change (valine 11 retained).
Molecular consequence: synonymous variant. On other transcripts: 5 prime UTR variant (4), non-coding transcript variant (4), intron variant (10).
Genome position (GRCh38, 1-based): chr9:131,504,251, G>T. VCF-style: chr9-131504251-G-T. GRCh37 (hg19) VCF-style: chr9-134379638-G-T.
Other names: c.33G>T, p.Val11= (NM_001136113.2, NM_001353193.2, NM_001353196.2 and 2 more transcripts); c.-212G>T (NM_001353195.2); c.-439G>T (NM_001353198.2); c.-161G>T (NM_001374692.1); c.-119G>T (NM_001374695.1); c.-41+938G>T (NM_001353194.2); c.-72+938G>T (NM_001374691.1); c.-41+1178G>T (NM_001374689.1, NM_001353197.2, NM_001077366.2 and 1 more transcripts); and 3 more.
Identifiers: ClinVar variation 3026587 (VCV003026587.22), dbSNP rs2539020410, ClinGen allele CA467421544.